The following is an entry in ClinVar:

NM_006767.4(LZTR1):c.1881G>C (p.Glu627Asp)

Gene: LZTR1 (leucine zipper like post translational regulator 1; plus strand). Cytogenetic location: 22q11.21.
Variant type: single nucleotide variant.
Coding change: c.1881G>C on transcript NM_006767.4 (MANE Select); coding-DNA position 1881, G replaced by C.
Protein change: p.Glu627Asp; replaces glutamic acid 627 with aspartic acid.
Molecular consequence: missense variant.
Genome position (GRCh38, 1-based): chr22:20,994,965, G>C. VCF-style: chr22-20994965-G-C. GRCh37 (hg19) VCF-style: chr22-21349254-G-C.
Other names: c.1881G>C (NM_006767.3); short protein forms E627D.
Identifiers: ClinVar variation 2180090 (VCV002180090.5), dbSNP rs2518622532, ClinGen allele CA410778654.

ClinVar aggregate classification (germline): Uncertain significance. Review status: criteria provided, multiple submitters, no conflicts (2 of 4 stars). 2 submissions from 2 submitters: Uncertain significance (2). Last evaluated 2026-04-28.

Conditions:
Cardiovascular phenotype. Identifiers: MedGen CN230736.
Hereditary cancer-predisposing syndrome. Also called: Tumor predisposition; Hereditary Cancer Syndrome; Hereditary neoplastic syndrome; Neoplastic Syndromes, Hereditary. Identifiers: Orphanet 140162, MedGen C0027672, MeSH D009386, MONDO:0015356.

Submissions (2):

Ambry Genetics
Classification: Uncertain significance for Cardiovascular phenotype; Hereditary cancer-predisposing syndrome. Last evaluated: 2026-04-28. Review status: criteria provided, single submitter. Criteria: Ambry Variant Classification Scheme 2023. Collection method: clinical testing. Allele origin: germline.
Comment: The p.E627D variant (also known as c.1881G>C), located in coding exon 16 of the LZTR1 gene, results from a G to C substitution at nucleotide position 1881. The glutamic acid at codon 627 is replaced by aspartic acid, an amino acid with highly similar properties. This amino acid position is conserved. In addition, this alteration is predicted to be tolerated by in silico analysis. Based on the available evidence, the clinical significance of this variant remains unclear.

Labcorp Genetics (formerly Invitae), Labcorp
Classification: Uncertain significance. Last evaluated: 2025-01-11. Review status: criteria provided, single submitter. Criteria: Invitae Variant Classification Sherloc (09022015). Collection method: clinical testing. Allele origin: germline.
Comment: This sequence change replaces glutamic acid, which is acidic and polar, with aspartic acid, which is acidic and polar, at codon 627 of the LZTR1 protein (p.Glu627Asp). This variant is not present in population databases (gnomAD no frequency). This variant has not been reported in the literature in individuals affected with LZTR1-related conditions. ClinVar contains an entry for this variant (Variation ID: 2180090). Invitae Evidence Modeling of protein sequence and biophysical properties (such as structural, functional, and spatial information, amino acid conservation, physicochemical variation, residue mobility, and thermodynamic stability) indicates that this missense variant is not expected to disrupt LZTR1 protein function with a negative predictive value of 80%. In summary, the available evidence is currently insufficient to determine the role of this variant in disease. Therefore, it has been classified as a Variant of Uncertain Significance.